The following is an entry in ClinVar:

ClinVar aggregate classification (germline): Pathogenic (1 of 4 stars; one submission).

Conditions:
Aortic valve disease 2 (AOVD2). Identifiers: MedGen C3542024, MONDO:0013902, OMIM 614823.

gnomAD v4.1: 2 of 1,614,052 alleles (0.00012%); highest among the groups gnomAD compares: Non-Finnish European, 0.000085%; no homozygotes.

Submission:

Labcorp Genetics (formerly Invitae), Labcorp
Classification: Pathogenic for Aortic valve disease 2. Last evaluated: 2025-12-26. Review status: criteria provided, single submitter. Criteria: Invitae Variant Classification Sherloc (09022015). Collection method: clinical testing. Allele origin: germline.
Comment: This sequence change creates a premature translational stop signal (p.Glu29*) in the TBX5 gene. It is expected to result in an absent or disrupted protein product. Loss-of-function variants in TBX5 are known to be pathogenic (PMID: 16183809, 16917909). This variant is not present in population databases (gnomAD no frequency). This variant has not been reported in the literature in individuals affected with TBX5-related conditions. For these reasons, this variant has been classified as Pathogenic.

Literature cited by the submitters: PubMed 16183809; PubMed 16917909.

NM_181486.4(TBX5):c.85G>T (p.Glu29Ter)

Gene: TBX5 (T-box transcription factor 5; minus strand). Cytogenetic location: 12q24.21.
Variant type: single nucleotide variant.
Coding change: c.85G>T on transcript NM_181486.4 (MANE Select); coding-DNA position 85, G replaced by T.
Protein change: p.Glu29Ter; replaces glutamic acid 29 with a stop codon.
Molecular consequence: nonsense. On other transcripts: intron variant (1).
Genome position (GRCh38, 1-based): chr12:114,403,814, C>A on the plus strand (G>T on the coding strand, the complement: TBX5 is on the minus strand). VCF-style: chr12-114403814-C-A. GRCh37 (hg19) VCF-style: chr12-114841619-C-A.
Other names: c.85G>T, p.Glu29Ter (NM_000192.3); c.-3-1894G>T (NM_080717.4); short protein forms E29*.
Identifiers: ClinVar variation 4772742 (VCV004772742.1).
Genomic context (GRCh38, chr12:114,403,814, plus strand): 5'-GCTGGGTGAAGGCGGCCTGCGGGGACGACGGGGACTTGCTGGGGGCCCCGAGCGCGCTCT[C>A]GGGTTTCGAATCGCAGGGCAGGTCTTTTGCGTCAGGCTCCAGAGGCGTGTGCGCCAGGCC-3'